The following is an entry in ClinVar:

ClinVar aggregate classification (germline): Uncertain significance. Review status: criteria provided, multiple submitters, no conflicts (2 of 4 stars). 2 submissions from 2 submitters: Uncertain significance (2). Last evaluated 2025-08-09.

Conditions:
Hereditary cancer-predisposing syndrome. Also called: Neoplastic Syndromes, Hereditary; Tumor predisposition; Hereditary Cancer Syndrome; Hereditary neoplastic syndrome. Identifiers: Orphanet 140162, MedGen C0027672, MeSH D009386, MONDO:0015356.
Neurofibromatosis, type 2 (SWNV). Also called: BILATERAL ACOUSTIC NEUROFIBROMATOSIS; SCHWANNOMATOSIS, VESTIBULAR; NF2-Related Schwannomatosis. Identifiers: Orphanet 637, MedGen C0027832, MONDO:0007039, OMIM 101000. Disease mechanism: loss of function.

gnomAD v4.1: 2 of 1,614,128 alleles (0.00012%); highest among the groups gnomAD compares: Non-Finnish European, 0.00017%; no homozygotes.

Submissions (2):

Ambry Genetics
Classification: Uncertain significance for Hereditary cancer-predisposing syndrome. Last evaluated: 2025-08-09. Review status: criteria provided, single submitter. Criteria: Ambry Variant Classification Scheme 2023. Collection method: clinical testing. Allele origin: germline.
Comment: The p.D511Y variant (also known as c.1531G>T), located in coding exon 14 of the NF2 gene, results from a G to T substitution at nucleotide position 1531. The aspartic acid at codon 511 is replaced by tyrosine, an amino acid with highly dissimilar properties. This amino acid position is conserved. In addition, this alteration is predicted to be deleterious by in silico analysis. Based on the available evidence, the clinical significance of this variant remains unclear.

Labcorp Genetics (formerly Invitae), Labcorp
Classification: Uncertain significance for Neurofibromatosis, type 2. Last evaluated: 2025-08-03. Review status: criteria provided, single submitter. Criteria: Invitae Variant Classification Sherloc (09022015). Collection method: clinical testing. Allele origin: germline.
Comment: This sequence change replaces aspartic acid, which is acidic and polar, with tyrosine, which is neutral and polar, at codon 511 of the NF2 protein (p.Asp511Tyr). This variant is not present in population databases (gnomAD no frequency). This variant has not been reported in the literature in individuals affected with NF2-related conditions. ClinVar contains an entry for this variant (Variation ID: 3626799). Invitae Evidence Modeling of protein sequence and biophysical properties (such as structural, functional, and spatial information, amino acid conservation, physicochemical variation, residue mobility, and thermodynamic stability) indicates that this missense variant is expected to disrupt NF2 protein function with a positive predictive value of 80%. In summary, the available evidence is currently insufficient to determine the role of this variant in disease. Therefore, it has been classified as a Variant of Uncertain Significance.

NM_000268.4(NF2):c.1531G>T (p.Asp511Tyr)

Gene: NF2 (NF2, moesin-ezrin-radixin like (MERLIN) tumor suppressor; plus strand). Cytogenetic location: 22q12.2.
Variant type: single nucleotide variant.
Coding change: c.1531G>T on transcript NM_000268.4 (MANE Select); coding-DNA position 1531, G replaced by T.
Protein change: p.Asp511Tyr; replaces aspartic acid 511 with tyrosine.
Molecular consequence: missense variant. On other transcripts: non-coding transcript variant (1), intron variant (1).
Genome position (GRCh38, 1-based): chr22:29,678,280, G>T. VCF-style: chr22-29678280-G-T. GRCh37 (hg19) VCF-style: chr22-30074269-G-T.
Other names: c.1282G>T, p.Asp428Tyr (NM_001407064.1, NM_181830.3, NM_181831.3 and 1 more transcripts); c.997G>T, p.Asp333Tyr (NM_001407065.1); c.1531G>T, p.Asp511Tyr (NM_001407066.1, NM_016418.5, NM_181825.3 and 2 more transcripts); c.1300G>T, p.Asp434Tyr (NM_001407067.1); c.1405G>T, p.Asp469Tyr (NM_181828.3, NM_001407055.1); c.1408G>T, p.Asp470Tyr (NM_181829.3, NM_001407054.1, NM_001407058.1); c.448-16472G>T (NM_181833.3); c.1417G>T, p.Asp473Tyr (NM_001407053.1, NM_001407056.1); and 2 more; short protein forms D333Y, D425Y, D428Y, D434Y, D466Y, D469Y, D470Y, D473Y.
Identifiers: ClinVar variation 3626799 (VCV003626799.3).
Genomic context (GRCh38, chr22:29,678,280, plus strand): 5'-TTGCCTCCTGACATACCAAGCTTCAACCTCATTGGTGACAGCCTGTCTTTCGACTTCAAA[G>T]ATACTGACATGAAGCGGCTTTCCATGGAGATAGAGAAAGAAAAGTATGTAGCCCCCTGTG-3'
Protein context (NP_000259.1, residues 501-521): IGDSLSFDFK[Asp511Tyr]TDMKRLSMEI